The following is an entry in ClinVar:

ClinVar aggregate classification (germline): Uncertain significance (1 of 4 stars; one submission).

Submission:

GeneDx
Classification: Uncertain significance. Last evaluated: 2022-07-14. Review status: criteria provided, single submitter. Criteria: GeneDx Variant Classification Process June 2021. Collection method: clinical testing. Allele origin: germline. Affected: yes.
Comment: Not observed at significant frequency in large population cohorts (gnomAD); In silico analysis supports that this missense variant has a deleterious effect on protein structure/function; Has not been previously published as pathogenic or benign to our knowledge

NM_003482.4(KMT2D):c.13687C>T (p.Pro4563Ser)

Gene: KMT2D (lysine methyltransferase 2D; minus strand). Cytogenetic location: 12q13.12.
Variant type: single nucleotide variant.
Coding change: c.13687C>T on transcript NM_003482.4 (MANE Select); coding-DNA position 13687, C replaced by T.
Protein change: p.Pro4563Ser; replaces proline 4563 with serine.
Molecular consequence: missense variant.
Genome position (GRCh38, 1-based): chr12:49,030,753, G>A on the plus strand (C>T on the coding strand, the complement: KMT2D is on the minus strand). VCF-style: chr12-49030753-G-A. GRCh37 (hg19) VCF-style: chr12-49424536-G-A.
Other names: short protein forms P4563S.
Identifiers: ClinVar variation 1304237 (VCV001304237.3), dbSNP rs2120407841, ClinGen allele CA384702780.
Genomic context (GRCh38, chr12:49,030,753, plus strand): 5'-AGCCACTGCCAAAGGGGGCAAAGAGGCTAAAATTGGCGGTGATAGCAGGCTCCGTTAGGG[G>A]CAGCAGGGACAGCTCCTACAAGGGGCAAGATGACAAAGTTCAAAACCTGCAGCGTTTGCA-3'
Protein context (NP_003473.3, residues 4553-4573): KQLKQELSLL[Pro4563Ser]LTEPAITANF